The following is an entry in ClinVar:

NM_015047.3(EMC1):c.2048G>C (p.Gly683Ala)

Genes: EMC1 (ER membrane protein complex subunit 1; minus strand), EMC1-AS1 (EMC1 antisense RNA 1; plus strand). Cytogenetic location: 1p36.13.
Variant type: single nucleotide variant.
Coding change: c.2048G>C on transcript NM_015047.3 (MANE Select); coding-DNA position 2048, G replaced by C.
Protein change: p.Gly683Ala; replaces glycine 683 with alanine.
Molecular consequence: missense variant.
Genome position (GRCh38, 1-based): chr1:19,230,860, C>G on the plus strand (G>C on the coding strand, the complement: EMC1 is on the minus strand). VCF-style: chr1-19230860-C-G. GRCh37 (hg19) VCF-style: chr1-19557354-C-G.
Other names: c.2045G>C, p.Gly682Ala (NM_001271427.2, NM_001271428.2); c.1982G>C, p.Gly661Ala (NM_001271429.2); c.2057G>C, p.Gly686Ala (NM_001375820.1); c.2054G>C, p.Gly685Ala (NM_001375821.1); short protein forms G682A, G685A, G686A, G683A, G661A.
Identifiers: ClinVar variation 4740988 (VCV004740988.1).

ClinVar aggregate classification (germline): Uncertain significance (1 of 4 stars; one submission).

Submission:

Labcorp Genetics (formerly Invitae), Labcorp
Classification: Uncertain significance. Last evaluated: 2025-10-24. Review status: criteria provided, single submitter. Criteria: Invitae Variant Classification Sherloc (09022015). Collection method: clinical testing. Allele origin: germline.
Comment: This sequence change replaces glycine, which is neutral and non-polar, with alanine, which is neutral and non-polar, at codon 683 of the EMC1 protein (p.Gly683Ala). This variant is not present in population databases (gnomAD no frequency). This variant has not been reported in the literature in individuals affected with EMC1-related conditions. Invitae Evidence Modeling of protein sequence and biophysical properties (such as structural, functional, and spatial information, amino acid conservation, physicochemical variation, residue mobility, and thermodynamic stability) indicates that this missense variant is expected to disrupt EMC1 protein function with a positive predictive value of 80%. In summary, the available evidence is currently insufficient to determine the role of this variant in disease. Therefore, it has been classified as a Variant of Uncertain Significance.